The following is an entry in ClinVar:

ClinVar aggregate classification (germline): Pathogenic/Likely pathogenic. Review status: criteria provided, multiple submitters, no conflicts (2 of 4 stars). 4 submissions from 4 submitters: Pathogenic (1); Likely pathogenic (1). 2 of the submissions do not count toward it. Last evaluated 2022-05-05.

Conditions:
Hereditary cancer-predisposing syndrome. Also called: Neoplastic Syndromes, Hereditary; Hereditary Cancer Syndrome; Hereditary neoplastic syndrome; Tumor predisposition. Identifiers: Orphanet 140162, MedGen C0027672, MeSH D009386, MONDO:0015356.
Hereditary breast ovarian cancer syndrome. Also called: Hereditary breast and ovarian cancer syndrome; Hereditary breast and ovarian cancer syndrome (HBOC); Breast and ovarian cancer; Hereditary breast and/or ovarian cancer syndrome; Hereditary breast and ovarian cancer; BRCA1- and BRCA2-Associated Hereditary Breast and Ovarian Cancer. Identifiers: Orphanet 145, MedGen C0677776, MeSH D061325, MONDO:0003582. Disease mechanism: loss of function.
Gastric cancer. Also called: Stomach cancer; Malignant tumor of stomach. Identifiers: MedGen C0024623, MeSH D013274, MONDO:0001056, OMIM 613659, HP:0012126.

Allele frequency attached by ClinVar (database versions not stated): gnomAD exomes below 0.00001.
gnomAD v4.1: 1 of 1,614,176 alleles (0.000062%); highest among the groups gnomAD compares: East Asian, 0.0022%; no homozygotes.

Submissions (4):

Ambry Genetics
Classification: Pathogenic for Hereditary cancer-predisposing syndrome. Last evaluated: 2022-05-05. Review status: criteria provided, single submitter. Criteria: Ambry Variant Classification Scheme 2023. Collection method: clinical testing. Allele origin: germline.
Comment: The p.E462* pathogenic mutation (also known as c.1384G>T), located in coding exon 4 of the PALB2 gene, results from a G to T substitution at nucleotide position 1384. This changes the amino acid from a glutamic acid to a stop codon within coding exon 4. This alteration was observed with an allele frequency of 1 in 7051 unselected breast cancer patients and with an allele frequency of 1 in 11241 female controls of Japanese ancestry. (Momozawa Y et al. Nat Commun, 2018 Oct;9:4083). In addition to the clinical data presented in the literature, this alteration is expected to result in loss of function by premature protein truncation or nonsense-mediated mRNA decay. As such, this alteration is interpreted as a disease-causing mutation.

Cancer Genomics Group, Japanese Foundation For Cancer Research
Classification: Likely pathogenic for Hereditary breast and ovarian cancer syndrome. Last evaluated: 2019-05-01. Review status: criteria provided, single submitter. Criteria: ACMG Guidelines, 2015. Collection method: research. Allele origin: germline. Affected: yes.

Laboratory for Genotyping Development, RIKEN
Classification: Pathogenic for Gastric cancer. Last evaluated: 2021-07-01. Review status: no assertion criteria provided. Collection method: research. Allele origin: germline. Not counted in ClinVar's aggregate classification.

Leiden Open Variation Database
Classification: Pathogenic. Last evaluated: 2018-10-10. Review status: no assertion criteria provided. Collection method: curation. Allele origin: germline. Affected: yes. Not counted in ClinVar's aggregate classification.
Comment: Curators: Marc Tischkowitz, Arleen D. Auerbach. Submitter to LOVD: Yukihide Momozawa.

Literature cited by the submitters: PubMed 30287823 (cited by Ambry Genetics and Leiden Open Variation Database); PubMed 36988593 (cited by Laboratory for Genotyping Development, RIKEN).

NM_024675.4(PALB2):c.1384G>T (p.Glu462Ter)

Gene: PALB2 (partner and localizer of BRCA2; minus strand). Cytogenetic location: 16p12.2.
Variant type: single nucleotide variant.
Coding change: c.1384G>T on transcript NM_024675.4 (MANE Select); coding-DNA position 1384, G replaced by T.
Protein change: p.Glu462Ter; replaces glutamic acid 462 with a stop codon.
Molecular consequence: nonsense.
Genome position (GRCh38, 1-based): chr16:23,635,162, C>A on the plus strand (G>T on the coding strand, the complement: PALB2 is on the minus strand). VCF-style: chr16-23635162-C-A. GRCh37 (hg19) VCF-style: chr16-23646483-C-A.
Other names: short protein forms E462*.
Identifiers: ClinVar variation 819054 (VCV000819054.24), dbSNP rs1597096243, ClinGen allele CA395131383.
Genomic context (GRCh38, chr16:23,635,162, plus strand): 5'-GAAGTTTCTGAGAGGTTCTTGAACTTGGTTGTCCTGTGCATGTGCCAGACATCCTAATTT[C>A]ACTTTGGTCAGTTTCCTCATTGGAAAGGTTTAAATTTTTACTTGCATCCTTATTTTTATT-3'